The following is an entry in ClinVar:

ClinVar aggregate classification (germline): Benign. Review status: criteria provided, multiple submitters, no conflicts (2 of 4 stars). 2 submissions from 2 submitters: Benign (2). Last evaluated 2018-01-13.

Conditions:
CFH-Related Dense Deposit Disease / Membranoproliferative Glomerulonephritis Type II. Identifiers: MedGen CN071292.

Allele frequency attached by ClinVar (database versions not stated): gnomAD 0.00047 and 0.00077; TOPMed 0.00066; 1000 Genomes Project 30x 0.00328; 1000 Genomes Project 0.00359.

Submissions (2):

Illumina Laboratory Services, Illumina
Classification: Benign for Membranoproliferative glomerulonephritis with complement factor h deficiency. Last evaluated: 2018-01-13. Review status: criteria provided, single submitter. Criteria: ICSL Variant Classification Criteria 13 December 2019. Collection method: clinical testing. Allele origin: germline.
Comment: This variant was observed in the ICSL laboratory as part of a predisposition screen in an ostensibly healthy population. It had not been previously curated by ICSL or reported in the Human Gene Mutation Database (HGMD: prior to June 1st, 2018), and was therefore a candidate for classification through an automated scoring system. Utilizing variant allele frequency, disease prevalence and penetrance estimates, and inheritance mode, an automated score was calculated to assess if this variant is too frequent to cause the disease. Based on the score and internal cut-off values, a variant classified as benign is not then subjected to further curation. The score for this variant resulted in a classification of benign for this disease.

Breakthrough Genomics
Classification: Benign. Review status: criteria provided, single submitter. Criteria: ACMG Guidelines, 2015. Collection method: not provided. Allele origin: germline. Inheritance: Autosomal dominant inheritance. Affected: yes.

NM_030787.4(CFHR5):c.*741T>G

Gene: CFHR5 (complement factor H related 5; plus strand). Cytogenetic location: 1q31.3.
Variant type: single nucleotide variant.
Coding change: c.*741T>G on transcript NM_030787.4 (MANE Select); 741 bases downstream of the stop codon, T replaced by G.
Molecular consequence: 3 prime UTR variant.
Genome position (GRCh38, 1-based): chr1:197,009,424, T>G. VCF-style: chr1-197009424-T-G. GRCh37 (hg19) VCF-style: chr1-196978554-T-G.
Identifiers: ClinVar variation 294560 (VCV000294560.6), dbSNP rs117389812, ClinGen allele CA10609276.